The following is an entry in ClinVar:

ClinVar aggregate classification (germline): Likely benign (1 of 4 stars; one submission).

Conditions:
KSR2-related disorder. Also called: KSR2-related condition.

gnomAD v4.1: 2 of 1,612,542 alleles (0.00012%); highest among the groups gnomAD compares: Non-Finnish European, 0.000085%; no homozygotes.

Submission:

PreventionGenetics, part of Exact Sciences
Classification: Likely benign for KSR2-related condition. Last evaluated: 2025-10-21. Review status: criteria provided, single submitter. Criteria: ACMG Guidelines, 2015. Collection method: clinical testing. Allele origin: germline.
Comment: This variant is classified as likely benign based on ACMG/AMP sequence variant interpretation guidelines (Richards et al. 2015 PMID: 25741868, with internal and published modifications).

NM_173598.6(KSR2):c.1326-6T>C

Gene: KSR2 (kinase suppressor of ras 2; minus strand). Cytogenetic location: 12q24.22.
Variant type: single nucleotide variant.
Coding change: c.1326-6T>C on transcript NM_173598.6 (MANE Select); 6 bases into the intron before coding-DNA position 1326, T replaced by C.
Molecular consequence: intron variant.
Genome position (GRCh38, 1-based): chr12:117,558,579, A>G on the plus strand (T>C on the coding strand, the complement: KSR2 is on the minus strand). VCF-style: chr12-117558579-A-G. GRCh37 (hg19) VCF-style: chr12-117996384-A-G.
Identifiers: ClinVar variation 4999746 (VCV004999746.1).